The following is an entry in ClinVar:

ClinVar aggregate classification (germline): Uncertain significance (1 of 4 stars; one submission).

Allele frequency attached by ClinVar (database versions not stated): TOPMed below 0.00001; ExAC 0.00004.
gnomAD v4.1: 19 of 1,610,094 alleles (0.0012%); highest among the groups gnomAD compares: East Asian, 0.0067%; no homozygotes.

Submission:

Labcorp Genetics (formerly Invitae), Labcorp
Classification: Uncertain significance. Last evaluated: 2022-08-31. Review status: criteria provided, single submitter. Criteria: Invitae Variant Classification Sherloc (09022015). Collection method: clinical testing. Allele origin: germline.
Comment: In summary, the available evidence is currently insufficient to determine the role of this variant in disease. Therefore, it has been classified as a Variant of Uncertain Significance. Algorithms developed to predict the effect of missense changes on protein structure and function output the following: SIFT: "Tolerated"; PolyPhen-2: "Benign"; Align-GVGD: "Class C0". The serine amino acid residue is found in multiple mammalian species, which suggests that this missense change does not adversely affect protein function. ClinVar contains an entry for this variant (Variation ID: 1488431). This variant has not been reported in the literature in individuals affected with CAPN5-related conditions. The frequency data for this variant in the population databases is considered unreliable, as metrics indicate poor data quality at this position in the gnomAD database. This sequence change replaces glycine, which is neutral and non-polar, with serine, which is neutral and polar, at codon 374 of the CAPN5 protein (p.Gly374Ser).

NM_004055.5(CAPN5):c.1120G>A (p.Gly374Ser)

Gene: CAPN5 (calpain 5; plus strand). Cytogenetic location: 11q13.5.
Variant type: single nucleotide variant.
Coding change: c.1120G>A on transcript NM_004055.5 (MANE Select); coding-DNA position 1120, G replaced by A.
Protein change: p.Gly374Ser; replaces glycine 374 with serine.
Molecular consequence: missense variant.
Genome position (GRCh38, 1-based): chr11:77,118,305, G>A. VCF-style: chr11-77118305-G-A. GRCh37 (hg19) VCF-style: chr11-76829351-G-A.
Other names: short protein forms G374S.
Identifiers: ClinVar variation 1488431 (VCV001488431.8), dbSNP rs782148894, ClinGen allele CA6196692.
Genomic context (GRCh38, chr11:77,118,305, plus strand): 5'-TGGGAGGAGGCCCGGCTGCATGGCGCCTGGACGCTGCATGAGGACCCGCGACAGAACCGC[G>A]GTGGCGGCTGCATCAACCACAAGGACACCTTCTTCCAGAACCCACAGGTGGGCGTTCTCA-3'
Protein context (NP_004046.2, residues 364-384): TLHEDPRQNR[Gly374Ser]GGCINHKDTF